The following is an entry in ClinVar:

ClinVar aggregate classification (germline): Uncertain significance (0 of 4 stars; one submission).

Conditions:
SEMA3E-related disorder. Also called: SEMA3E-related condition.

Submission:

PreventionGenetics, part of Exact Sciences
Classification: Uncertain significance for SEMA3E-related condition. Last evaluated: 2023-12-05. Review status: no assertion criteria provided. Collection method: clinical testing. Allele origin: germline.
Comment: The SEMA3E c.1723C>G variant is predicted to result in the amino acid substitution p.Gln575Glu. To our knowledge, this variant has not been reported in the literature or in a large population database, indicating this variant is rare. At this time, the clinical significance of this variant is uncertain due to the absence of conclusive functional and genetic evidence.

NM_012431.3(SEMA3E):c.1723C>G (p.Gln575Glu)

Gene: SEMA3E (semaphorin 3E; minus strand). Cytogenetic location: 7q21.11.
Variant type: single nucleotide variant.
Coding change: c.1723C>G on transcript NM_012431.3 (MANE Select); coding-DNA position 1723, C replaced by G.
Protein change: p.Gln575Glu; replaces glutamine 575 with glutamic acid.
Molecular consequence: missense variant.
Genome position (GRCh38, 1-based): chr7:83,386,995, G>C on the plus strand (C>G on the coding strand, the complement: SEMA3E is on the minus strand). VCF-style: chr7-83386995-G-C. GRCh37 (hg19) VCF-style: chr7-83016311-G-C.
Other names: c.1543C>G, p.Gln515Glu (NM_001178129.2); short protein forms Q515E, Q575E.
Identifiers: ClinVar variation 3349858 (VCV003349858.1).